The following is an entry in ClinVar:

NM_001035.3(RYR2):c.292del (p.Trp98fs)

Gene: RYR2 (ryanodine receptor 2; plus strand). Cytogenetic location: 1q43.
Variant type: Deletion.
Coding change: c.292del on transcript NM_001035.3 (MANE Select); coding-DNA position 292, one base deleted (T; older notation c.292delT).
Protein change: p.Trp98fs; shifts the reading frame from tryptophan 98.
Molecular consequence: frameshift variant.
Genome position (GRCh38, 1-based): chr1:237,355,983, T deleted. VCF-style (leftmost placement, unchanged base first): chr1-237355982-AT-A. GRCh37 (hg19) VCF-style: chr1-237519282-AT-A.
Other names: short protein forms W98fs.
Identifiers: ClinVar variation 1332410 (VCV001332410.7), dbSNP rs2149691982, ClinGen allele CA2573051522.

ClinVar aggregate classification (germline): Uncertain significance. Review status: criteria provided, multiple submitters, no conflicts (2 of 4 stars). 2 submissions from 2 submitters: Uncertain significance (2). Last evaluated 2025-10-01.

Conditions:
Catecholaminergic polymorphic ventricular tachycardia 1. Also called: VENTRICULAR TACHYCARDIA, CATECHOLAMINERGIC POLYMORPHIC, 1, WITH OR WITHOUT ATRIAL DYSFUNCTION AND/OR DILATED CARDIOMYOPATHY; VENTRICULAR TACHYCARDIA, STRESS-INDUCED POLYMORPHIC 1; RYR2-Related Catecholaminergic Polymorphic Ventricular Tachycardia. Identifiers: Orphanet 3286, MedGen C1631597, MONDO:0011484, OMIM 604772.
Cardiomyopathy (CMYO). Also called: Cardiomyopathies. Identifiers: Orphanet 167848, MedGen C0878544, MONDO:0004994, HP:0001638. Inheritance: Various modes of inheritance.

Submissions (2):

Labcorp Genetics (formerly Invitae), Labcorp
Classification: Uncertain significance for Catecholaminergic polymorphic ventricular tachycardia 1. Last evaluated: 2025-10-01. Review status: criteria provided, single submitter. Criteria: Invitae Variant Classification Sherloc (09022015). Collection method: clinical testing. Allele origin: germline.
Comment: This sequence change creates a premature translational stop signal (p.Trp98Glyfs*4) in the RYR2 gene. It is expected to result in an absent or disrupted protein product. However, the current clinical and genetic evidence is not sufficient to establish whether loss-of-function variants in RYR2 cause disease. This variant is not present in population databases (gnomAD no frequency). This variant has not been reported in the literature in individuals affected with RYR2-related conditions. ClinVar contains an entry for this variant (Variation ID: 1332410). In summary, the available evidence is currently insufficient to determine the role of this variant in disease. Therefore, it has been classified as a Variant of Uncertain Significance.

Color Diagnostics, LLC DBA Color Health
Classification: Uncertain significance for Cardiomyopathy. Last evaluated: 2021-07-14. Review status: criteria provided, single submitter. Criteria: ACMG Guidelines, 2015. Collection method: clinical testing. Allele origin: germline.
Comment: This variant deletes 1 nucleotide in exon 4 of the RYR2 gene, creating a frameshift and premature translation stop signal. This variant is expected to result in an absent or non-functional protein product. To our knowledge, this variant has not been reported in individuals affected with cardiovascular disorders in the literature. This variant has not been identified in the general population by the Genome Aggregation Database (gnomAD). Clinical significance of loss-of-function variants in the RYR2 gene is not clearly established. The available evidence is insufficient to determine the role of this variant in disease conclusively. Therefore, this variant is classified as a Variant of Uncertain Significance.